The following is an entry in ClinVar:

NM_004036.5(ADCY3):c.1116C>T (p.Cys372=)

Gene: ADCY3 (adenylate cyclase 3; minus strand). Cytogenetic location: 2p23.3.
Variant type: single nucleotide variant.
Coding change: c.1116C>T on transcript NM_004036.5 (MANE Select); coding-DNA position 1116, C replaced by T.
Protein change: p.Cys372=; no amino-acid change (cysteine 372 retained).
Molecular consequence: synonymous variant.
Genome position (GRCh38, 1-based): chr2:24,841,339, G>A on the plus strand (C>T on the coding strand, the complement: ADCY3 is on the minus strand). VCF-style: chr2-24841339-G-A. GRCh37 (hg19) VCF-style: chr2-25064208-G-A.
Other names: c.1116C>T, p.Cys372= (NM_001320613.2, NM_001377128.1, NM_001377129.1 and 2 more transcripts); c.393C>T, p.Cys131= (NM_001377131.1).
Identifiers: ClinVar variation 3357666 (VCV003357666.1).
Genomic context (GRCh38, chr2:24,841,339, plus strand): 5'-CAGCCCCATGAGGATGGAGCAGACGGCGTGGTCCTCCCGGTAGTCGGGCAAGCCGCAGAT[G>A]CAGTAGTAGCAGTCGCCCAGGATCTTAATCCGCAGCTGGTGGTATTTCTGAAAGGGGAGG-3'
Protein context (NP_004027.2, residues 362-382): RIKILGDCYY[Cys372=]ICGLPDYRED

ClinVar aggregate classification (germline): Likely benign (0 of 4 stars; one submission).

Conditions:
ADCY3-related disorder. Also called: ADCY3-related condition.

gnomAD v4.1: 5 of 1,602,054 alleles (0.00031%); highest among the groups gnomAD compares: East Asian, 0.0045%; no homozygotes.

Submission:

PreventionGenetics, part of Exact Sciences
Classification: Likely benign for ADCY3-related condition. Last evaluated: 2022-08-25. Review status: no assertion criteria provided. Collection method: clinical testing. Allele origin: germline.
Comment: This variant is classified as likely benign based on ACMG/AMP sequence variant interpretation guidelines (Richards et al. 2015 PMID: 25741868, with internal and published modifications).